The following is an entry in ClinVar:

NM_001105581.3(LRRC30):c.753C>G (p.Leu251=)

Gene: LRRC30 (leucine rich repeat containing 30; plus strand). Cytogenetic location: 18p11.23.
Variant type: single nucleotide variant.
Coding change: c.753C>G on transcript NM_001105581.3 (MANE Select); coding-DNA position 753, C replaced by G.
Protein change: p.Leu251=; no amino-acid change (leucine 251 retained).
Molecular consequence: synonymous variant.
Genome position (GRCh38, 1-based): chr18:7,231,891, C>G. VCF-style: chr18-7231891-C-G. GRCh37 (hg19) VCF-style: chr18-7231889-C-G.
Identifiers: ClinVar variation 2648554 (VCV002648554.24), dbSNP rs1158596192, ClinGen allele CA502485409.
Genomic context (GRCh38, chr18:7,231,891, plus strand): 5'-CACCAGCCTGGAGCTGCTGAACCTCAACAACAATGACATCCAGACCCTCCCGAGCGAACT[C>G]CACCTGCTGTGTAGACTGGTGAGGATCGCCTGGAATCCCATGGACAAAGGGCTCCACATT-3'
Protein context (NP_001099051.1, residues 241-261): NNDIQTLPSE[Leu251=]HLLCRLVRIA

ClinVar aggregate classification (germline): Likely benign (1 of 4 stars; one submission).

Allele frequency attached by ClinVar (database versions not stated): gnomAD exomes 0.00001; TOPMed 0.00002; gnomAD 0.00004.

Submission:

CeGaT Center for Human Genetics Tuebingen
Classification: Likely benign. Last evaluated: 2022-07-01. Review status: criteria provided, single submitter. Criteria: CeGaT Center For Human Genetics Tuebingen Variant Classification Criteria Version 2. Collection method: clinical testing. Allele origin: germline. Affected: yes. Observed: 1 variant allele.
Comment: LRRC30: BP4, BP7